The following is an entry in ClinVar:

ClinVar aggregate classification (germline): Uncertain significance (1 of 4 stars; one submission).

Conditions:
Inborn genetic diseases. Identifiers: MedGen C0950123, MeSH D030342.

Submission:

Ambry Genetics
Classification: Uncertain significance for Inborn genetic diseases. Last evaluated: 2021-07-08. Review status: criteria provided, single submitter. Criteria: Ambry Variant Classification Scheme 2023. Collection method: clinical testing. Allele origin: germline.
Comment: The p.L750Q variant (also known as c.2249T>A), located in coding exon 23 of the ERCC2 gene, results from a T to A substitution at nucleotide position 2249. The leucine at codon 750 is replaced by glutamine, an amino acid with dissimilar properties. This amino acid position is conserved. In addition, the in silico prediction for this alteration is inconclusive. Since supporting evidence is limited at this time, the clinical significance of this alteration remains unclear.

NM_000400.4(ERCC2):c.2249T>A (p.Leu750Gln)

Gene: ERCC2 (ERCC excision repair 2, TFIIH core complex helicase subunit; minus strand). Cytogenetic location: 19q13.32.
Variant type: single nucleotide variant.
Coding change: c.2249T>A on transcript NM_000400.4 (MANE Select); coding-DNA position 2249, T replaced by A.
Protein change: p.Leu750Gln; replaces leucine 750 with glutamine.
Molecular consequence: missense variant.
Genome position (GRCh38, 1-based): chr19:45,351,663, A>T on the plus strand (T>A on the coding strand, the complement: ERCC2 is on the minus strand). VCF-style: chr19-45351663-A-T. GRCh37 (hg19) VCF-style: chr19-45854921-A-T.
Other names: short protein forms L750Q.
Identifiers: ClinVar variation 1788383 (VCV001788383.2), dbSNP rs1226085679, ClinGen allele CA406360340.